The following is an entry in ClinVar:

NM_005235.3(ERBB4):c.3193G>T (p.Val1065Leu)

Gene: ERBB4 (erb-b2 receptor tyrosine kinase 4; minus strand). Cytogenetic location: 2q34.
Variant type: single nucleotide variant.
Coding change: c.3193G>T on transcript NM_005235.3 (MANE Select); coding-DNA position 3193, G replaced by T.
Protein change: p.Val1065Leu; replaces valine 1065 with leucine.
Molecular consequence: missense variant.
Genome position (GRCh38, 1-based): chr2:211,387,141, C>A on the plus strand (G>T on the coding strand, the complement: ERBB4 is on the minus strand). VCF-style: chr2-211387141-C-A. GRCh37 (hg19) VCF-style: chr2-212251866-C-A.
Other names: c.3145G>T, p.Val1049Leu (NM_001042599.2); short protein forms V1049L, V1065L.
Identifiers: ClinVar variation 3612088 (VCV003612088.2).

ClinVar aggregate classification (germline): Uncertain significance (1 of 4 stars; one submission).

gnomAD v4.1: 18 of 1,612,162 alleles (0.0011%); highest among the groups gnomAD compares: African/African-American, 0.02%; no homozygotes.

Submission:

Labcorp Genetics (formerly Invitae), Labcorp
Classification: Uncertain significance. Last evaluated: 2024-04-07. Review status: criteria provided, single submitter. Criteria: Invitae Variant Classification Sherloc (09022015). Collection method: clinical testing. Allele origin: germline.
Comment: This sequence change replaces valine, which is neutral and non-polar, with leucine, which is neutral and non-polar, at codon 1065 of the ERBB4 protein (p.Val1065Leu). This variant is present in population databases (rs149665378, gnomAD 0.02%). This variant has not been reported in the literature in individuals affected with ERBB4-related conditions. An algorithm developed to predict the effect of missense changes on protein structure and function (PolyPhen-2) suggests that this variant is likely to be tolerated. In summary, the available evidence is currently insufficient to determine the role of this variant in disease. Therefore, it has been classified as a Variant of Uncertain Significance.